The following is an entry in ClinVar:

NM_001008537.3(NEXMIF):c.746del (p.Ala249fs)

Gene: NEXMIF (neurite extension and migration factor; minus strand). Cytogenetic location: Xq13.3.
Variant type: Deletion.
Coding change: c.746del on transcript NM_001008537.3 (MANE Select); coding-DNA position 746, one base deleted (C; older notation c.746delC).
Protein change: p.Ala249fs; shifts the reading frame from alanine 249.
Molecular consequence: frameshift variant.
Genome position (GRCh38, 1-based): chrX:74,743,811, G deleted on the plus strand (C on the coding strand, the reverse complement: NEXMIF is on the minus strand). VCF-style (leftmost placement, unchanged base first): chrX-74743810-AG-A. GRCh37 (hg19) VCF-style: chrX-73963645-AG-A.
Other names: short protein forms A249fs.
Identifiers: ClinVar variation 842522 (VCV000842522.3), dbSNP rs2080116669, ClinGen allele CA916083968.
Genomic context (GRCh38, chrX:74,743,810, plus strand): 5'-CTTACTTTCACTAATAAAAGTCTCGAAGTAACCCCAATCCTGATTGGAATTTGCAAGCAA[AG>A]CTTCTTCTGTATTGCACTTGTCTAACAGTAATGCCTCATAATAGCTTTTCTGAGCCGGAT-3'

ClinVar aggregate classification (germline): Pathogenic (1 of 4 stars; one submission).

Submission:

Labcorp Genetics (formerly Invitae), Labcorp
Classification: Pathogenic. Last evaluated: 2019-04-11. Review status: criteria provided, single submitter. Criteria: Invitae Variant Classification Sherloc (09022015). Collection method: clinical testing. Allele origin: germline.
Comment: This sequence change creates a premature translational stop signal (p.Ala249Valfs*55) in the NEXMIF gene. It is expected to result in an absent or disrupted protein product. This variant is not present in population databases (ExAC no frequency). This variant has not been reported in the literature in individuals with NEXMIF-related conditions. Loss-of-function variants in NEXMIF are known to be pathogenic (PMID: 23615299). For these reasons, this variant has been classified as Pathogenic.

Literature cited by the submitters: PubMed 23615299.